The following is an entry in ClinVar:

ClinVar aggregate classification (germline): Uncertain significance (1 of 4 stars; one submission).

Conditions:
SIM1-related disorder. Also called: SIM1-related disorders; SIM1-related condition.

gnomAD v4.1: 1 of 1,614,054 alleles (0.000062%); highest among the groups gnomAD compares: Non-Finnish European, 0.000085%; no homozygotes.

Submission:

PreventionGenetics, part of Exact Sciences
Classification: Uncertain significance for SIM1-related condition. Last evaluated: 2026-08-10. Review status: criteria provided, single submitter. Criteria: ACMG Guidelines, 2015. Collection method: clinical testing. Allele origin: germline.
Comment: The SIM1 c.389C>G variant is predicted to result in the amino acid substitution p.Pro130Arg. To our knowledge, this variant has not been reported in the literature or in a large population database (gnomAD), indicating this variant is rare. At this time, the clinical significance of this variant is uncertain due to the absence of conclusive functional and genetic evidence.

NM_005068.3(SIM1):c.389C>G (p.Pro130Arg)

Gene: SIM1 (SIM bHLH transcription factor 1; minus strand). Cytogenetic location: 6q16.3.
Variant type: single nucleotide variant.
Coding change: c.389C>G on transcript NM_005068.3 (MANE Select); coding-DNA position 389, C replaced by G.
Protein change: p.Pro130Arg; replaces proline 130 with arginine.
Molecular consequence: missense variant.
Genome position (GRCh38, 1-based): chr6:100,449,659, G>C on the plus strand (C>G on the coding strand, the complement: SIM1 is on the minus strand). VCF-style: chr6-100449659-G-C. GRCh37 (hg19) VCF-style: chr6-100897535-G-C.
Other names: c.389C>G, p.Pro130Arg (NM_001374769.1); short protein forms P130R.
Identifiers: ClinVar variation 4986273 (VCV004986273.1).